The following is an entry in ClinVar:

NM_024334.3(TMEM43):c.1068C>G (p.Ala356=)

Gene: TMEM43 (transmembrane protein 43; plus strand). Cytogenetic location: 3p25.1.
Variant type: single nucleotide variant.
Coding change: c.1068C>G on transcript NM_024334.3 (MANE Select); coding-DNA position 1068, C replaced by G.
Protein change: p.Ala356=; no amino-acid change (alanine 356 retained).
Molecular consequence: synonymous variant.
Genome position (GRCh38, 1-based): chr3:14,141,660, C>G. VCF-style: chr3-14141660-C-G. GRCh37 (hg19) VCF-style: chr3-14183160-C-G.
Other names: c.1071C>G, p.Ala357= (NM_001407274.1); c.1065C>G, p.Ala355= (NM_001407275.1, NM_001407276.1); c.1062C>G, p.Ala354= (NM_001407277.1); c.1053C>G, p.Ala351= (NM_001407278.1); c.993C>G, p.Ala331= (NM_001407279.1); c.918C>G, p.Ala306= (NM_001407280.1).
Identifiers: ClinVar variation 2910510 (VCV002910510.4), dbSNP rs1217551500, ClinGen allele CA432552952.

ClinVar aggregate classification (germline): Likely benign. Review status: criteria provided, multiple submitters, no conflicts (2 of 4 stars). 2 submissions from 2 submitters: Likely benign (2). Last evaluated 2024-05-30.

Conditions:
Arrhythmogenic right ventricular dysplasia 5. Also called: Arrhythmogenic Right Ventricular Dysplasia/Cardiomyopathy 5; ARRHYTHMOGENIC RIGHT VENTRICULAR DYSPLASIA, FAMILIAL, 5. Identifiers: MedGen C1858379, MONDO:0011459, OMIM 604400.

Allele frequency attached by ClinVar (database versions not stated): gnomAD 0.00001; TOPMed 0.00001.
gnomAD v4.1: 4 of 1,614,106 alleles (0.00025%); highest among the groups gnomAD compares: Non-Finnish European, 0.00034%; no homozygotes.

Submissions (2):

All of Us Research Program, National Institutes of Health
Classification: Likely benign for Arrhythmogenic right ventricular dysplasia 5. Last evaluated: 2024-05-30. Review status: criteria provided, single submitter. Criteria: ACMG Guidelines, 2015. Collection method: clinical testing. Allele origin: germline. Inheritance: Autosomal dominant inheritance. Observed: 1 variant allele, 1 heterozygote.
Comment: This study involves interpretation of variants in research participants for the purpose of population health screening. Participant phenotype was not available at the time of variant classification. Additional details can be found in publication PMID: 35346344, PMCID: PMC8962531

Labcorp Genetics (formerly Invitae), Labcorp
Classification: Likely benign for Arrhythmogenic right ventricular dysplasia 5. Last evaluated: 2024-01-24. Review status: criteria provided, single submitter. Criteria: Invitae Variant Classification Sherloc (09022015). Collection method: clinical testing. Allele origin: germline.